The following is an entry in ClinVar:

ClinVar aggregate classification (germline): Pathogenic (1 of 4 stars; one submission).

Submission:

Labcorp Genetics (formerly Invitae), Labcorp
Classification: Pathogenic. Last evaluated: 2022-12-01. Review status: criteria provided, single submitter. Criteria: Invitae Variant Classification Sherloc (09022015). Collection method: clinical testing. Allele origin: germline.
Comment: For these reasons, this variant has been classified as Pathogenic. This variant has not been reported in the literature in individuals affected with MSH3-related conditions. This variant is not present in population databases (gnomAD no frequency). This sequence change creates a premature translational stop signal (p.Lys87Aspfs*13) in the MSH3 gene. It is expected to result in an absent or disrupted protein product. Loss-of-function variants in MSH3 are known to be pathogenic (PMID: 27476653).

Literature cited by the submitters: PubMed 27476653.

NM_002439.5(MSH3):c.259_265del (p.Lys87fs)

Gene: MSH3 (mutS homolog 3; plus strand). Cytogenetic location: 5q14.1.
Variant type: Deletion.
Coding change: c.259_265del on transcript NM_002439.5 (MANE Select); coding-DNA positions 259 to 265, 7 bases deleted (AAGAAGA; older notation c.259_265delAAGAAGA).
Protein change: p.Lys87fs; shifts the reading frame from lysine 87.
Molecular consequence: frameshift variant.
Genome position (GRCh38, 1-based): chr5:80,656,432-80,656,438, AAGAAGA deleted; deleting any 7 consecutive bases within chr5:80,656,426-80,656,438 gives the same sequence; the c. name uses the placement nearest the transcript's 3' end. VCF-style (leftmost placement, unchanged base first): chr5-80656425-CAGAAGAA-C. GRCh37 (hg19) VCF-style: chr5-79952244-CAGAAGAA-C.
Other names: short protein forms K87fs.
Identifiers: ClinVar variation 2017001 (VCV002017001.4), dbSNP rs2546712131, ClinGen allele CA2580073644.